The following is an entry in ClinVar:

ClinVar aggregate classification (germline): Uncertain significance (1 of 4 stars; one submission).

Submission:

GeneDx
Classification: Uncertain significance. Last evaluated: 2025-05-12. Review status: criteria provided, single submitter. Criteria: GeneDx Variant Classification Process June 2021. Collection method: clinical testing. Allele origin: germline. Affected: yes.
Comment: Not observed at significant frequency in large population cohorts (gnomAD); In silico analysis supports that this missense variant has a deleterious effect on protein structure/function; Has not been previously published as pathogenic or benign to our knowledge

NM_005068.3(SIM1):c.694T>A (p.Phe232Ile)

Gene: SIM1 (SIM bHLH transcription factor 1; minus strand). Cytogenetic location: 6q16.3.
Variant type: single nucleotide variant.
Coding change: c.694T>A on transcript NM_005068.3 (MANE Select); coding-DNA position 694, T replaced by A.
Protein change: p.Phe232Ile; replaces phenylalanine 232 with isoleucine.
Molecular consequence: missense variant.
Genome position (GRCh38, 1-based): chr6:100,448,528, A>T on the plus strand (T>A on the coding strand, the complement: SIM1 is on the minus strand). VCF-style: chr6-100448528-A-T. GRCh37 (hg19) VCF-style: chr6-100896404-A-T.
Other names: c.694T>A, p.Phe232Ile (NM_001374769.1); short protein forms F232I.
Identifiers: ClinVar variation 4529750 (VCV004529750.1).